The following is an entry in ClinVar:

NM_000535.7(PMS2):c.1336_1402del (p.Ser445_Pro446insTer)

Gene: PMS2 (PMS1 homolog 2, mismatch repair system component; minus strand). Cytogenetic location: 7p22.1.
Variant type: Deletion.
Coding change: c.1336_1402del on transcript NM_000535.7 (MANE Select); coding-DNA positions 1336 to 1402, 67 bases deleted.
Protein change: p.Ser445_Pro446insTer.
Molecular consequence: nonsense. On other transcripts: non-coding transcript variant (1).
Genome position (GRCh38, 1-based): chr7:5,987,363-5,987,429, 67 bases deleted. GRCh37 (hg19): chr7:6,026,995-6,027,061.
Other names: c.931_997del, p.Ser310_Pro311insTer (NM_001322009.2, NM_001322003.2, NM_001322004.2 and 1 more transcripts); c.775_841del, p.Ser258_Pro259insTer (NM_001322010.2); c.403_469del, p.Ser134_Pro135insTer (NM_001322011.2, NM_001322012.2); c.763_829del, p.Ser254_Pro255insTer (NM_001322013.2); c.1336_1402del, p.Ser445_Pro446insTer (NM_001322014.2); c.1027_1093del, p.Ser342_Pro343insTer (NM_001322015.2); c.1180_1246del, p.Ser393_Pro394insTer (NM_001322006.2); c.1018_1084del, p.Ser339_Pro340insTer (NM_001322007.2, NM_001322008.2).
Identifiers: ClinVar variation 633364 (VCV000633364.1), dbSNP rs1562633331, ClinGen allele CA913189366.

ClinVar aggregate classification (germline): Likely pathogenic (1 of 4 stars; one submission).

Conditions:
Lynch syndrome. Identifiers: Orphanet 144, MedGen C4552100, MONDO:0005835. Disease mechanism: loss of function.

Submission:

Women's Health and Genetics/Laboratory Corporation of America, LabCorp
Classification: Likely pathogenic for Lynch syndrome. Last evaluated: 2017-10-19. Review status: criteria provided, single submitter. Criteria: LabCorp Variant Classification Summary - May 2015. Collection method: clinical testing. Allele origin: germline.
Comment: Variant summary: The PMS2 c.1335_1401del (partial exon 11 deletion) variant involves the deletion of 67 base pairs in exon 11, predicted to cause a frameshift and premature stop codon. Truncating variants downstream of the variant of interest have been assessed as pathogenic by our laboratory (e.g., c.1634_1635delCT [p.Ser545fsX16] and c.1831dupA [p.Ile611fsX2]). The frequency of this variant in the general population cannot be determined due to the lack of information regarding the bioinformatic processes used by large control databases such as ExAC and gnomAD to detect large deletions. The variant of interest has not, to our knowledge, been reported in affected individuals via publications/reputable databases, nor evaluated for functional impact by in vivo/vitro studies. Taken together, this variant is classified as likely pathogenic.